The following is an entry in ClinVar:

NM_007373.4(SHOC2):c.733G>A (p.Val245Ile)

Gene: SHOC2 (SHOC2 leucine rich repeat scaffold protein; plus strand). Cytogenetic location: 10q25.2.
Variant type: single nucleotide variant.
Coding change: c.733G>A on transcript NM_007373.4 (MANE Select); coding-DNA position 733, G replaced by A.
Protein change: p.Val245Ile; replaces valine 245 with isoleucine.
Molecular consequence: missense variant. On other transcripts: non-coding transcript variant (1), intron variant (1).
Genome position (GRCh38, 1-based): chr10:110,985,657, G>A. VCF-style: chr10-110985657-G-A. GRCh37 (hg19) VCF-style: chr10-112745415-G-A.
Other names: c.733G>A, p.Val245Ile (NM_001324336.2, NM_001324337.2); c.704-14758G>A (NM_001269039.3); short protein forms V245I.
Identifiers: ClinVar variation 1696502 (VCV001696502.10), dbSNP rs761636280, ClinGen allele CA5689631.

ClinVar aggregate classification (germline): Conflicting classifications of pathogenicity. Review status: criteria provided, conflicting classifications (1 of 4 stars). 3 submissions from 3 submitters: Uncertain significance (2); Likely benign (1). Last evaluated 2024-10-17.

Conditions:
RASopathy. Also called: rasopathies; Noonan spectrum disorder. Identifiers: Orphanet 536391, MedGen C5555857, MONDO:0021060.
Noonan syndrome-like disorder with loose anagen hair 1 (NSLH1). Also called: MAZZANTI SYNDROME; TOSTI SYNDROME. Identifiers: Orphanet 2701, MedGen C4478716, MONDO:0054637, OMIM 607721.

Allele frequency attached by ClinVar (database versions not stated): gnomAD 0.00001; gnomAD exomes 0.00001; ExAC 0.00002.
gnomAD v4.1: 9 of 1,611,732 alleles (0.00056%); highest among the groups gnomAD compares: Admixed American, 0.0017%; no homozygotes.

Submissions (3):

Labcorp Genetics (formerly Invitae), Labcorp
Classification: Uncertain significance for RASopathy. Last evaluated: 2024-10-17. Review status: criteria provided, single submitter. Criteria: Invitae Variant Classification Sherloc (09022015). Collection method: clinical testing. Allele origin: germline.
Comment: This sequence change replaces valine, which is neutral and non-polar, with isoleucine, which is neutral and non-polar, at codon 245 of the SHOC2 protein (p.Val245Ile). This variant is present in population databases (rs761636280, gnomAD 0.002%). This variant has not been reported in the literature in individuals affected with SHOC2-related conditions. ClinVar contains an entry for this variant (Variation ID: 1696502). Invitae Evidence Modeling of protein sequence and biophysical properties (such as structural, functional, and spatial information, amino acid conservation, physicochemical variation, residue mobility, and thermodynamic stability) indicates that this missense variant is not expected to disrupt SHOC2 protein function with a negative predictive value of 80%. In summary, the available evidence is currently insufficient to determine the role of this variant in disease. Therefore, it has been classified as a Variant of Uncertain Significance.

Blueprint Genetics
Classification: Likely benign. Last evaluated: 2024-06-28. Review status: criteria provided, single submitter. Criteria: ACMG Guidelines, 2015. Collection method: clinical testing. Allele origin: germline.

New York Genome Center
Classification: Uncertain significance for Noonan syndrome-like disorder with loose anagen hair 1. Last evaluated: 2021-07-02. Review status: criteria provided, single submitter. Criteria: NYGC Assertion Criteria 2020. Collection method: clinical testing. Allele origin: inherited. Observed: 1 heterozygote. Study: CSER-NYCKidSeq.